The following is an entry in ClinVar:

ClinVar aggregate classification (germline): Uncertain significance (1 of 4 stars; one submission).

Conditions:
Catecholaminergic polymorphic ventricular tachycardia 1. Also called: VENTRICULAR TACHYCARDIA, STRESS-INDUCED POLYMORPHIC 1; VENTRICULAR TACHYCARDIA, CATECHOLAMINERGIC POLYMORPHIC, 1, WITH OR WITHOUT ATRIAL DYSFUNCTION AND/OR DILATED CARDIOMYOPATHY; RYR2-Related Catecholaminergic Polymorphic Ventricular Tachycardia. Identifiers: Orphanet 3286, MedGen C1631597, MONDO:0011484, OMIM 604772.

Allele frequency attached by ClinVar (database versions not stated): gnomAD exomes below 0.00001.
gnomAD v4.1: 2 of 1,606,702 alleles (0.00012%); highest among the groups gnomAD compares: Admixed American, 0.0033%; no homozygotes.

Submission:

Labcorp Genetics (formerly Invitae), Labcorp
Classification: Uncertain significance for Catecholaminergic polymorphic ventricular tachycardia 1. Last evaluated: 2022-01-06. Review status: criteria provided, single submitter. Criteria: Invitae Variant Classification Sherloc (09022015). Collection method: clinical testing. Allele origin: germline.
Comment: Advanced modeling of protein sequence and biophysical properties (such as structural, functional, and spatial information, amino acid conservation, physicochemical variation, residue mobility, and thermodynamic stability) performed at Invitae indicates that this missense variant is not expected to disrupt RYR2 protein function. This variant has not been reported in the literature in individuals affected with RYR2-related conditions. This variant is present in population databases (no rsID available, gnomAD 0.009%). This sequence change replaces histidine, which is basic and polar, with arginine, which is basic and polar, at codon 2937 of the RYR2 protein (p.His2937Arg). Algorithms developed to predict the effect of sequence changes on RNA splicing suggest that this variant may create or strengthen a splice site. In summary, the available evidence is currently insufficient to determine the role of this variant in disease. Therefore, it has been classified as a Variant of Uncertain Significance.

NM_001035.3(RYR2):c.8810A>G (p.His2937Arg)

Gene: RYR2 (ryanodine receptor 2; plus strand). Cytogenetic location: 1q43.
Variant type: single nucleotide variant.
Coding change: c.8810A>G on transcript NM_001035.3 (MANE Select); coding-DNA position 8810, A replaced by G.
Protein change: p.His2937Arg; replaces histidine 2937 with arginine.
Molecular consequence: missense variant.
Genome position (GRCh38, 1-based): chr1:237,674,826, A>G. VCF-style: chr1-237674826-A-G. GRCh37 (hg19) VCF-style: chr1-237838126-A-G.
Other names: short protein forms H2937R.
Identifiers: ClinVar variation 2199086 (VCV002199086.4), dbSNP rs1349926993, ClinGen allele CA345403395.
Genomic context (GRCh38, chr1:237,674,826, plus strand): 5'-TTGAGAAACGATTTGCCTATAGTTTCCTCCAACAACTCATTCGCTATGTGGATGAAGCCC[A>G]TCAGTATATCCTGGAGTTTGGTAGGTACCATAGTCCCATTGCTAATAGCCCAGTGTTTGT-3'
Protein context (NP_001026.2, residues 2927-2947): QQLIRYVDEA[His2937Arg]QYILEFDGGS